The following is an entry in ClinVar:

ClinVar aggregate classification (germline): Likely pathogenic (1 of 4 stars; one submission).

Conditions:
Short stature-optic atrophy-Pelger-Huët anomaly syndrome. Also called: Short stature, optic nerve atrophy, and Pelger-Huet anomaly; Short stature-optic atrophy-Pelger-HuC+t anomaly syndrome. Identifiers: Orphanet 391677, MedGen C3541319, MONDO:0013889, OMIM 614800.

Submission:

Institute of Medical Genetics and Applied Genomics, University Hospital Tübingen
Classification: Likely pathogenic for Short stature-optic atrophy-Pelger-Huët anomaly syndrome. Last evaluated: 2026-10-20. Review status: criteria provided, single submitter. Criteria: ACMG Guidelines, 2015. Collection method: clinical testing. Allele origin: germline. Inheritance: Autosomal recessive inheritance. Affected: yes.
Comment: Observed compound-heterozygous in two siblings affected with NBAS-deficiency and published in PMID 42861107

NM_015909.4(NBAS):c.[2423+403G>C];[686dup]

Variant type: CompoundHeterozygote.
Identifiers: ClinVar variation 5021129 (VCV005021129.1).